The following is an entry in ClinVar:

ClinVar aggregate classification (germline): Uncertain significance (1 of 4 stars; one submission).

Conditions:
Charcot-Marie-Tooth disease type 4. Also called: Charcot-Marie-Tooth, Type 4; Charcot-Marie-Tooth disease, type IV. Identifiers: Orphanet 64749, MedGen C4082197, MONDO:0018995.

Allele frequency attached by ClinVar (database versions not stated): TOPMed below 0.00001; ExAC 0.00002.
gnomAD v4.1: 23 of 1,613,584 alleles (0.0014%); highest among the groups gnomAD compares: Middle Eastern, 0.017%; no homozygotes.

Submission:

Labcorp Genetics (formerly Invitae), Labcorp
Classification: Uncertain significance for Charcot-Marie-Tooth disease type 4. Last evaluated: 2022-05-18. Review status: criteria provided, single submitter. Criteria: Invitae Variant Classification Sherloc (09022015). Collection method: clinical testing. Allele origin: germline.
Comment: This sequence change replaces aspartic acid, which is acidic and polar, with histidine, which is basic and polar, at codon 703 of the PRX protein (p.Asp703His). This variant is present in population databases (rs756173103, gnomAD 0.02%). This variant has not been reported in the literature in individuals affected with PRX-related conditions. ClinVar contains an entry for this variant (Variation ID: 1014194). Algorithms developed to predict the effect of missense changes on protein structure and function are either unavailable or do not agree on the potential impact of this missense change (SIFT: "Deleterious"; PolyPhen-2: "Probably Damaging"; Align-GVGD: "Class C0"). In summary, the available evidence is currently insufficient to determine the role of this variant in disease. Therefore, it has been classified as a Variant of Uncertain Significance.

NM_181882.3(PRX):c.2107G>C (p.Asp703His)

Gene: PRX (periaxin; minus strand). Cytogenetic location: 19q13.2.
Variant type: single nucleotide variant.
Coding change: c.2107G>C on transcript NM_181882.3 (MANE Select); coding-DNA position 2107, G replaced by C.
Protein change: p.Asp703His; replaces aspartic acid 703 with histidine.
Molecular consequence: missense variant. On other transcripts: 3 prime UTR variant (1).
Genome position (GRCh38, 1-based): chr19:40,396,245, C>G on the plus strand (G>C on the coding strand, the complement: PRX is on the minus strand). VCF-style: chr19-40396245-C-G. GRCh37 (hg19) VCF-style: chr19-40902152-C-G.
Other names: c.*2312G>C (NM_020956.2); short protein forms D703H.
Identifiers: ClinVar variation 1014194 (VCV001014194.6), dbSNP rs756173103, ClinGen allele CA9444121.